The following is an entry in ClinVar:

NM_001378454.1(ALMS1):c.4577A>G (p.His1526Arg)

Gene: ALMS1 (ALMS1 centrosome and basal body associated protein; plus strand). Cytogenetic location: 2p13.1.
Variant type: single nucleotide variant.
Coding change: c.4577A>G on transcript NM_001378454.1 (MANE Select); coding-DNA position 4577, A replaced by G.
Protein change: p.His1526Arg; replaces histidine 1526 with arginine.
Molecular consequence: missense variant.
Genome position (GRCh38, 1-based): chr2:73,451,104, A>G. VCF-style: chr2-73451104-A-G. GRCh37 (hg19) VCF-style: chr2-73678231-A-G.
Other names: c.4580A>G, p.His1527Arg (NM_015120.4); short protein forms H1527R, H1526R.
Identifiers: ClinVar variation 1360350 (VCV001360350.3), dbSNP rs1164930753, ClinGen allele CA347278824.

ClinVar aggregate classification (germline): Uncertain significance (1 of 4 stars; one submission).

Conditions:
Alstrom syndrome (ALMS). Identifiers: Orphanet 64, MedGen C0268425, MONDO:0008763, OMIM 203800.

Allele frequency attached by ClinVar (database versions not stated): gnomAD exomes below 0.00001 and 0.00001.
gnomAD v4.1: 9 of 1,613,596 alleles (0.00056%); highest among the groups gnomAD compares: Middle Eastern, 0.05%; no homozygotes.

Submission:

Labcorp Genetics (formerly Invitae), Labcorp
Classification: Uncertain significance for Alstrom syndrome. Last evaluated: 2022-09-08. Review status: criteria provided, single submitter. Criteria: Invitae Variant Classification Sherloc (09022015). Collection method: clinical testing. Allele origin: germline.
Comment: This sequence change replaces histidine, which is basic and polar, with arginine, which is basic and polar, at codon 1527 of the ALMS1 protein (p.His1527Arg). This variant is present in population databases (no rsID available, gnomAD no frequency). This variant has not been reported in the literature in individuals affected with ALMS1-related conditions. ClinVar contains an entry for this variant (Variation ID: 1360350). Experimental studies and prediction algorithms are not available or were not evaluated, and the functional significance of this variant is currently unknown. In summary, the available evidence is currently insufficient to determine the role of this variant in disease. Therefore, it has been classified as a Variant of Uncertain Significance.